The following is an entry in ClinVar:

NC_000022.11:g.(?_28687887)_(28696997_?)del

Gene: CHEK2 (checkpoint kinase 2; minus strand). Cytogenetic location: 22q12.1.
Variant type: Deletion.
Identifiers: ClinVar variation 661739 (VCV000661739.2).

ClinVar aggregate classification (germline): Pathogenic (1 of 4 stars; one submission).

Conditions:
Familial cancer of breast. Also called: BREAST CANCER, FAMILIAL; hereditary breast carcinoma; Hereditary breast cancer. Identifiers: Orphanet 227535, MedGen C0346153, MONDO:0016419, OMIM 114480. Disease mechanism: loss of function.

Submission:

Labcorp Genetics (formerly Invitae), Labcorp
Classification: Pathogenic for Hereditary Breast Carcinoma. Last evaluated: 2018-11-21. Review status: criteria provided, single submitter. Criteria: Invitae Variant Classification Sherloc (09022015). Collection method: clinical testing. Allele origin: germline.
Comment: This variant is a gross deletion of the genomic region encompassing exons 10-15 of the CHEK2 gene. The 5' boundary is likely confined to intron 9. The 3' end of this event is unknown as it extends through the termination codon beyond the assayed region for this gene and may encompass additional genes. While this deletion is not anticipated to result in nonsense mediated decay, it is expected to create a truncated protein product or disrupt mRNA translation. While this gross deletion has not been reported in the literature, loss-of-function variants including gross deletions in CHEK2 are known to be pathogenic (PMID: 21876083, 24713400). This deletion (p.Tyr337_Leu543del) partially removes the kinase domain (residues 226-486), and the NLS (nuclear localization signal, residues 515-522), which are important for normal CHEK2 protein function (PMID: 11733767, 15279791, 19782031, 12909615, 18004398, 24879340). Smaller in-frame deletions and truncations in this region have been determined to be pathogenic in the Invitae database,Â¬â€ suggesting that deletion of this region of the CHEK2 protein is causative of disease. For these reasons, this variant has been classified as Pathogenic.

Literature cited by the submitters: PubMed 21876083; PubMed 11733767; PubMed 19782031; PubMed 24713400; PubMed 18004398; PubMed 24879340; PubMed 15279791; PubMed 12909615.